The following is an entry in ClinVar:

ClinVar aggregate classification (germline): Uncertain significance (1 of 4 stars; one submission).

Submission:

Labcorp Genetics (formerly Invitae), Labcorp
Classification: Uncertain significance. Last evaluated: 2023-11-27. Review status: criteria provided, single submitter. Criteria: Invitae Variant Classification Sherloc (09022015). Collection method: clinical testing. Allele origin: germline.
Comment: This sequence change replaces cysteine, which is neutral and slightly polar, with serine, which is neutral and polar, at codon 362 of the COCH protein (p.Cys362Ser). This variant is not present in population databases (gnomAD no frequency). This missense change has been observed in individual(s) with deafness (Invitae). ClinVar contains an entry for this variant (Variation ID: 1468777). Advanced modeling of protein sequence and biophysical properties (such as structural, functional, and spatial information, amino acid conservation, physicochemical variation, residue mobility, and thermodynamic stability) performed at Invitae indicates that this missense variant is expected to disrupt COCH protein function with a positive predictive value of 80%. In summary, the available evidence is currently insufficient to determine the role of this variant in disease. Therefore, it has been classified as a Variant of Uncertain Significance.

NM_004086.3(COCH):c.1084T>A (p.Cys362Ser)

Genes: COCH (cochlin; plus strand), COCH-AS1 (COCH antisense RNA 1; minus strand). Cytogenetic location: 14q12.
Variant type: single nucleotide variant.
Coding change: c.1084T>A on transcript NM_004086.3 (MANE Select); coding-DNA position 1084, T replaced by A.
Protein change: p.Cys362Ser; replaces cysteine 362 with serine.
Molecular consequence: missense variant. On other transcripts: non-coding transcript variant (1).
Genome position (GRCh38, 1-based): chr14:30,885,919, T>A. VCF-style: chr14-30885919-T-A. GRCh37 (hg19) VCF-style: chr14-31355125-T-A.
Other names: c.1084T>A, p.Cys362Ser (NM_001135058.2); c.1279T>A, p.Cys427Ser (NM_001347720.2); short protein forms C362S, C427S.
Identifiers: ClinVar variation 1468777 (VCV001468777.6), dbSNP rs2138877053, ClinGen allele CA389348246.